The following is an entry in ClinVar:

NM_019892.6(INPP5E):c.746C>T (p.Ser249Phe)

Gene: INPP5E (inositol polyphosphate-5-phosphatase E; minus strand). Cytogenetic location: 9q34.3.
Variant type: single nucleotide variant.
Coding change: c.746C>T on transcript NM_019892.6 (MANE Select); coding-DNA position 746, C replaced by T.
Protein change: p.Ser249Phe; replaces serine 249 with phenylalanine.
Molecular consequence: missense variant.
Genome position (GRCh38, 1-based): chr9:136,438,674, G>A on the plus strand (C>T on the coding strand, the complement: INPP5E is on the minus strand). VCF-style: chr9-136438674-G-A. GRCh37 (hg19) VCF-style: chr9-139333126-G-A.
Other names: c.746C>T, p.Ser249Phe (NM_001318502.2); c.746C>T (NM_019892.5); short protein forms S249F.
Identifiers: ClinVar variation 1065823 (VCV001065823.16), dbSNP rs550485638, ClinGen allele CA5337089.

ClinVar aggregate classification (germline): Conflicting classifications of pathogenicity. Review status: criteria provided, conflicting classifications (1 of 4 stars). 11 submissions from 11 submitters: Likely pathogenic (2); Uncertain significance (9). Last evaluated 2026-03-03.

Conditions:
Joubert syndrome 1 (JBTS1). Also called: Cerebellooculorenal syndrome 1; CEREBELLOPARENCHYMAL DISORDER IV. Identifiers: MedGen C4551568, MONDO:0008944, OMIM 213300.
Joubert syndrome. Also called: JOUBERT-BOLTSHAUSER SYNDROME; Familial aplasia of the vermis. Identifiers: Orphanet 475, MedGen C5979921, MONDO:0018772.
Retinal dystrophy. Also called: Inherited retinal dystrophy. Identifiers: Orphanet 71862, MedGen C0854723, MeSH D058499, MONDO:0019118, HP:0000556.
MORM syndrome (MORMS). Identifiers: Orphanet 75858, MedGen C1857802, MONDO:0012423, OMIM 610156.
Rod-cone dystrophy. Identifiers: MedGen C4551714, HP:0000510.
INPP5E-related disorder. Also called: INPP5E-related condition.
Inborn genetic diseases. Identifiers: MedGen C0950123, MeSH D030342.

Allele frequency attached by ClinVar (database versions not stated): gnomAD 0.00005; TOPMed 0.00006; 1000 Genomes Project 30x 0.00016; 1000 Genomes Project 0.00020.
gnomAD v4.1: 66 of 1,594,240 alleles (0.0041%); highest among the groups gnomAD compares: Admixed American, 0.028%; no homozygotes.

Submissions (11):

Dasa
Classification: Uncertain significance. Last evaluated: 2026-03-03. Review status: criteria provided, single submitter. Criteria: DASA Assertion Criteria. Collection method: clinical testing. Allele origin: germline.
Comment: NM_019892.6(INPP5E):c.746C>T (p.Ser249Phe) is a missense variant that results in the substitution of serine with phenylalanine. This variant has been recurrently observed in individuals with INPP5E-related disorders (PMID: 37440031; PMID: 34188062). Also, this variant is rare in population databases. The currently available literature and clinical evidence are not sufficient to establish a definitive association between this variant and the reported condition. Therefore, this variant is classified as a variant of uncertain significance.

PreventionGenetics, part of Exact Sciences
Classification: Uncertain significance for INPP5E-related condition. Last evaluated: 2025-07-29. Review status: criteria provided, single submitter. Criteria: ACMG Guidelines, 2015. Collection method: clinical testing. Allele origin: germline.
Comment: The INPP5E c.746C>T variant is predicted to result in the amino acid substitution p.Ser249Phe. This variant has been reported as a variant of uncertain significance in a study of inherited retinal disorders (Table S12 in Diñeiro et al. 2020. PubMed ID: 32483926). This variant was also reported in the homozygous or compound heterozygous state, as part of a complex allele p.[(Ser249Phe); (Arg596Thr)], in two unrelated families with rod cone degeneration (Families F and G, Sangermano et al. 2021. PubMed ID: 34188062). This variant is reported in 0.032% of alleles in individuals of Latino descent in gnomAD and has conflicting interpretations of pathogenicity in ClinVar ranging from likely pathogenic to uncertain (ID: 1065823). At this time, the clinical significance of this variant is uncertain due to the absence of conclusive functional and genetic evidence.

Blueprint Genetics
Classification: Likely pathogenic for INPP5E-related disorders. Last evaluated: 2024-09-30. Review status: criteria provided, single submitter. Criteria: ACMG Guidelines, 2015. Collection method: clinical testing. Allele origin: germline. Affected: yes. Observed: 5 variant alleles.

Labcorp Genetics (formerly Invitae), Labcorp
Classification: Uncertain significance for Joubert syndrome. Last evaluated: 2024-01-15. Review status: criteria provided, single submitter. Criteria: Invitae Variant Classification Sherloc (09022015). Collection method: clinical testing. Allele origin: germline.
Comment: This sequence change replaces serine, which is neutral and polar, with phenylalanine, which is neutral and non-polar, at codon 249 of the INPP5E protein (p.Ser249Phe). This variant is present in population databases (rs550485638, gnomAD 0.04%). This missense change has been observed in individual(s) with clinical features of INPP5E-related conditions (PMID: 27353947, 32483926). ClinVar contains an entry for this variant (Variation ID: 1065823). Advanced modeling of protein sequence and biophysical properties (such as structural, functional, and spatial information, amino acid conservation, physicochemical variation, residue mobility, and thermodynamic stability) has been performed at Invitae for this missense variant, however the output from this modeling did not meet the statistical confidence thresholds required to predict the impact of this variant on INPP5E protein function. In summary, the available evidence is currently insufficient to determine the role of this variant in disease. Therefore, it has been classified as a Variant of Uncertain Significance.

Fulgent Genetics
Classification: Uncertain significance for Joubert syndrome 1; MORM syndrome. Last evaluated: 2024-01-04. Review status: criteria provided, single submitter. Criteria: ACMG Guidelines, 2015. Collection method: clinical testing. Allele origin: germline.

Clinical Genetics Laboratory, Skane University Hospital Lund
Classification: Uncertain significance. Last evaluated: 2023-10-12. Review status: criteria provided, single submitter. Criteria: ACMG Guidelines, 2015. Collection method: clinical testing. Allele origin: germline. Affected: yes.

Women's Health and Genetics/Laboratory Corporation of America, LabCorp
Classification: Uncertain significance. Last evaluated: 2023-03-21. Review status: criteria provided, single submitter. Criteria: LabCorp Variant Classification Summary - May 2015. Collection method: clinical testing. Allele origin: germline.
Comment: Variant summary: INPP5E c.746C>T (p.Ser249Phe) results in a non-conservative amino acid change in the encoded protein sequence. Four of five in-silico tools predict a damaging effect of the variant on protein function. The variant allele was found at a frequency of 7.3e-05 in 206804 control chromosomes. This frequency is not significantly higher than estimated for a pathogenic variant in INPP5E causing Joubert Syndrome And Related Disorders (7.3e-05 vs 0.00079), allowing no conclusion about variant significance. c.746C>T has been reported in the literature in individuals affected with Joubert Syndrome Related Disorders. These reports do not provide unequivocal conclusions about association of the variant with Joubert Syndrome And Related Disorders. To our knowledge, no experimental evidence demonstrating an impact on protein function has been reported. Four clinical diagnostic laboratories have submitted clinical-significance assessments for this variant to ClinVar after 2014 without evidence for independent evaluation (likely pathogenic n=1, VUS n=3). Based on the evidence outlined above, the variant was classified as uncertain significance.

Ambry Genetics
Classification: Uncertain significance for Inborn genetic diseases. Last evaluated: 2022-02-09. Review status: criteria provided, single submitter. Criteria: Ambry Variant Classification Scheme 2023. Collection method: clinical testing. Allele origin: germline.

Baylor Genetics
Classification: Uncertain significance for Joubert syndrome 1. Last evaluated: 2022-01-28. Review status: criteria provided, single submitter. Criteria: ACMG Guidelines, 2015. Collection method: clinical testing. Allele origin: unknown.

Institute of Human Genetics, Univ. Regensburg, Univ. Regensburg
Classification: Uncertain significance for Retinal dystrophy. Last evaluated: 2022-01-01. Review status: criteria provided, single submitter. Criteria: ACMG Guidelines, 2015. Collection method: clinical testing. Allele origin: germline. Affected: yes.

Ocular Genomics Institute, Massachusetts Eye and Ear
Classification: Likely pathogenic for Rod-cone dystrophy. Last evaluated: 2021-04-08. Review status: criteria provided, single submitter. Criteria: ACMG Guidelines, 2015. Collection method: research. Allele origin: germline. Affected: yes.
Comment: Through a review of available evidence we were able to apply the following criteria: PM1, PM2, PP3, PM3. Based on this evidence we have classified this variant as Likely Pathogenic.

Literature cited by the submitters: PubMed 37440031 (cited by Dasa); PubMed 34188062 (cited by Dasa and Ambry Genetics); PubMed 27353947 (cited by Labcorp Genetics (formerly Invitae), Labcorp and Women's Health and Genetics/Laboratory Corporation of America, LabCorp); PubMed 32483926 (cited by 3 submitters); PubMed 26075876 (cited by Women's Health and Genetics/Laboratory Corporation of America, LabCorp).